The following is an entry in ClinVar:

ClinVar aggregate classification (germline): Pathogenic. Review status: criteria provided, multiple submitters, no conflicts (2 of 4 stars). 5 submissions from 5 submitters: Pathogenic (4). 1 of the submissions does not count toward it. Last evaluated 2026-04-02.

Conditions:
Hereditary pancreatitis (PCTT). Also called: Hereditary chronic pancreatitis; PRSS1-Related Hereditary Pancreatitis. Identifiers: Orphanet 676, MedGen C0238339, MONDO:0008185, OMIM 167800.

Allele frequency attached by ClinVar (database versions not stated): ExAC 0.00002; gnomAD exomes 0.00001 and 0.00003; gnomAD 0.00002; ESP Exome Variant Server 0.00008; TOPMed 0.00002.

Submissions (5):

Ambry Genetics
Classification: Pathogenic for Hereditary pancreatitis. Last evaluated: 2026-04-02. Review status: criteria provided, single submitter. Criteria: Ambry Variant Classification Scheme 2023. Collection method: clinical testing. Allele origin: germline.
Comment: The c.27delC pathogenic mutation, located in coding exon 1 of the SPINK1 gene, results from a deletion of one nucleotide at nucleotide position 27, causing a translational frameshift with a predicted alternate stop codon (p.S10Vfs*6). This mutation has been detected in two families with chronic pancreatitis with reduced penetrance (Le Mar&eacute;chal C et al. Hum. Mutat., 2004 Feb;23:205; LaRusch J et al. JOP, 2012 May;13:258-62). In HEK293 cells, this mutation showed reduced mRNA levels compared to wild type (Wu H et al. Gut, 2017 12;66:2195-2196). In addition to the clinical data presented in the literature, this alteration is expected to result in loss of function by premature protein truncation or nonsense-mediated mRNA decay. As such, this alteration is interpreted as a disease-causing mutation.

Labcorp Genetics (formerly Invitae), Labcorp
Classification: Pathogenic for Hereditary pancreatitis. Last evaluated: 2025-10-29. Review status: criteria provided, single submitter. Criteria: Invitae Variant Classification Sherloc (09022015). Collection method: clinical testing. Allele origin: germline.
Comment: This sequence change creates a premature translational stop signal (p.Ser10Valfs*6) in the SPINK1 gene. It is expected to result in an absent or disrupted protein product. Loss-of-function variants in SPINK1 are known to be pathogenic (PMID: 17681820, 22572128). This variant is present in population databases (rs193922659, gnomAD 0.003%). This premature translational stop signal has been observed in individual(s) with chronic pancreatitis (PMID: 14722925, 22572128). It has also been observed to segregate with disease in related individuals. ClinVar contains an entry for this variant (Variation ID: 36780). For these reasons, this variant has been classified as Pathogenic.

ARUP Laboratories, Molecular Genetics and Genomics, ARUP Laboratories
Classification: Pathogenic. Last evaluated: 2024-09-09. Review status: criteria provided, single submitter. Criteria: ARUP Molecular Germline Variant Investigation Process 2024. Collection method: clinical testing. Allele origin: germline.
Comment: The SPINK1 c.27delC; p.Ser10ValfsTer6 variant (rs193922659) is reported in multiple patients with hereditary pancreatitis (LaRusch 2012, Le Marechal 2004, Masson 2015, Rosendahl 2013). This variant is found in the heterozygous state in affected individuals, but is also present in relatives that do not develop pancreatitis, suggesting that the variant could be associated with an increased risk with pancreatitis even in a heterozygous state (LaRusch 2012, Le Marechal 2004). This variant is reported in ClinVar (Variation ID: 36780), and is only found on three alleles in the Genome Aggregation Database, indicating it is not a common polymorphism. This variant causes a frameshift by deleting a single nucleotide, so it is predicted to result in a truncated protein or mRNA subject to nonsense-mediated decay. Based on available information, this variant is considered pathogenic. References: LaRusch J et al. Whole exome sequencing identifies multiple, complex etiologies in an idiopathic hereditary pancreatitis kindred. JOP. 2012; 13(3):258-62. PMID: 22572128. Le Marechal C et al. Two novel severe mutations in the pancreatic secretory trypsin inhibitor gene (SPINK1) cause familial and/or hereditary pancreatitis. Hum Mutat. 2004; 23(2):205. PMID: 14722925. Masson E et al. Report of 2 CTRC Intronic Mutations Associated With Acute or Chronic Pancreatitis and Delineation of Their Pathogenic Molecular Mechanisms. Pancreas. 2015; 44(6):999-1001. PMID: 26166474. Rosendahl J et al. CFTR, SPINK1, CTRC and PRSS1 variants in chronic pancreatitis: is the role of mutated CFTR overestimated? Gut. 2013; 62(4):582-92. PMID: 22427236.

Women's Health and Genetics/Laboratory Corporation of America, LabCorp
Classification: Pathogenic for Hereditary pancreatitis. Last evaluated: 2021-08-12. Review status: criteria provided, single submitter. Criteria: LabCorp Variant Classification Summary - May 2015. Collection method: clinical testing. Allele origin: germline.
Comment: Variant summary: SPINK1 c.27delC (p.Ser10ValfsX6) results in a premature termination codon, predicted to cause a truncation of the encoded protein or absence of the protein due to nonsense mediated decay, which are commonly known mechanisms for disease. The variant allele was found at a frequency of 1.2e-05 in 251284 control chromosomes (gnomAD and Marechal_2004). c.27delC has been reported in the literature in multiple individuals affected with Chronic Pancreatitis. In one family, the variant segregated with the disease in two generations and had penetrance as high as 75%, while in another family the variant seemed to act as a low-penetrance susceptibility factor (Marechal_2004). In a third family with chronic pancreatitis, the reported penetrance was for the variant was 44% (LaRusch_2012). These data indicate that the variant is very likely to be associated with chronic pancreatitis, albeit with variable penetrance. Two other clinical diagnostic laboratories have submitted clinical-significance assessments for this variant to ClinVar after 2014 without evidence for independent evaluation. Both laboratories classified the variant as pathogenic. Based on the evidence outlined above, the variant was classified as pathogenic.

GeneReviews
No classification provided. Condition: Hereditary pancreatitis. Review status: no classification provided. Collection method: literature only. Allele origin: germline. Affected: yes. Not counted in ClinVar's aggregate classification.

Literature cited by the submitters: PubMed 14722925 (cited by 3 submitters); PubMed 22572128 (cited by 3 submitters); PubMed 28320769 (cited by Ambry Genetics); PubMed 17681820 (cited by Labcorp Genetics (formerly Invitae), Labcorp); NCBI Bookshelf NBK190101 (cited by GeneReviews).

NM_001379610.1(SPINK1):c.27del (p.Ser10fs)

Gene: SPINK1 (serine peptidase inhibitor Kazal type 1; minus strand). Cytogenetic location: 5q32.
Variant type: Deletion.
Coding change: c.27del on transcript NM_001379610.1 (MANE Select); coding-DNA position 27, one base deleted (C; older notation c.27delC).
Protein change: p.Ser10fs; shifts the reading frame from serine 10.
Molecular consequence: frameshift variant.
Genome position (GRCh38, 1-based): chr5:147,831,551, G deleted on the plus strand (C on the coding strand, the reverse complement: SPINK1 is on the minus strand). VCF-style (leftmost placement, unchanged base first): chr5-147831550-TG-T. GRCh37 (hg19) VCF-style: chr5-147211113-TG-T.
Other names: c.27delC (NM_003122.4); c.27del (NM_003122.3); c.27del, p.Ser10fs (NM_001354966.2, NM_003122.5); short protein forms S10fs.
Identifiers: ClinVar variation 36780 (VCV000036780.27), dbSNP rs193922659, ClinGen allele CA342889.
Genomic context (GRCh38, chr5:147,831,550, plus strand): 5'-TTTATTTAAATTTGAAAAATATGCAACACTTACCAGATAGACTCAACAGGGCCAAGGCAC[TG>T]AGAAGAAAGATGCCTGTTACCTTCATGGCTGAAGTTCTGCGTCCAGAGGTCAGTTGAAAA-3'